The following is an entry in ClinVar:

NM_013266.4(CTNNA3):c.485A>G (p.Lys162Arg)

Gene: CTNNA3 (catenin alpha 3; minus strand). Cytogenetic location: 10q21.3.
Variant type: single nucleotide variant.
Coding change: c.485A>G on transcript NM_013266.4 (MANE Select); coding-DNA position 485, A replaced by G.
Protein change: p.Lys162Arg; replaces lysine 162 with arginine.
Molecular consequence: missense variant.
Genome position (GRCh38, 1-based): chr10:67,521,936, T>C on the plus strand (A>G on the coding strand, the complement: CTNNA3 is on the minus strand). VCF-style: chr10-67521936-T-C. GRCh37 (hg19) VCF-style: chr10-69281694-T-C.
Other names: c.485A>G, p.Lys162Arg (NM_001127384.3); c.521A>G, p.Lys174Arg (NM_001291133.2); short protein forms K162R, K174R.
Identifiers: ClinVar variation 4749308 (VCV004749308.1).

ClinVar aggregate classification (germline): Uncertain significance (1 of 4 stars; one submission).

Conditions:
Arrhythmogenic right ventricular dysplasia 13. Also called: Arrhythmogenic right ventricular dysplasia, familial, 13; ARRHYTHMOGENIC RIGHT VENTRICULAR CARDIOMYOPATHY 13. Identifiers: MedGen C3810138, MONDO:0000908, OMIM 615616.

gnomAD v4.1: 4 of 1,613,246 alleles (0.00025%); highest among the groups gnomAD compares: East Asian, 0.0022%; no homozygotes.

Submission:

Labcorp Genetics (formerly Invitae), Labcorp
Classification: Uncertain significance for Arrhythmogenic right ventricular dysplasia 13. Last evaluated: 2025-08-11. Review status: criteria provided, single submitter. Criteria: Invitae Variant Classification Sherloc (09022015). Collection method: clinical testing. Allele origin: germline.
Comment: This sequence change replaces lysine, which is basic and polar, with arginine, which is basic and polar, at codon 162 of the CTNNA3 protein (p.Lys162Arg). This variant is not present in population databases (gnomAD no frequency). This variant has not been reported in the literature in individuals affected with CTNNA3-related conditions. Invitae Evidence Modeling of protein sequence and biophysical properties (such as structural, functional, and spatial information, amino acid conservation, physicochemical variation, residue mobility, and thermodynamic stability) indicates that this missense variant is not expected to disrupt CTNNA3 protein function with a negative predictive value of 80%. In summary, the available evidence is currently insufficient to determine the role of this variant in disease. Therefore, it has been classified as a Variant of Uncertain Significance.